The following is an entry in ClinVar:

NM_001375524.1(TRRAP):c.5869A>G (p.Ile1957Val)

Gene: TRRAP (transformation/transcription domain associated protein; plus strand). Cytogenetic location: 7q22.1.
Variant type: single nucleotide variant.
Coding change: c.5869A>G on transcript NM_001375524.1 (MANE Select); coding-DNA position 5869, A replaced by G.
Protein change: p.Ile1957Val; replaces isoleucine 1957 with valine.
Molecular consequence: missense variant.
Genome position (GRCh38, 1-based): chr7:98,955,236, A>G. VCF-style: chr7-98955236-A-G. GRCh37 (hg19) VCF-style: chr7-98552859-A-G.
Other names: c.5848A>G, p.Ile1950Val (NM_001244580.2); c.5794A>G, p.Ile1932Val (NM_003496.4); c.5848A>G (NM_001244580.1); short protein forms I1957V, I1932V, I1950V.
Identifiers: ClinVar variation 2713675 (VCV002713675.4), dbSNP rs782657245, ClinGen allele CA163092361.

ClinVar aggregate classification (germline): Uncertain significance. Review status: criteria provided, multiple submitters, no conflicts (2 of 4 stars). 2 submissions from 2 submitters: Uncertain significance (2). Last evaluated 2026-08-27.

Conditions:
Inborn genetic diseases. Identifiers: MedGen C0950123, MeSH D030342.

Allele frequency attached by ClinVar (database versions not stated): gnomAD exomes 0.00002.
gnomAD v4.1: 24 of 1,614,172 alleles (0.0015%); highest among the groups gnomAD compares: Non-Finnish European, 0.0019%; no homozygotes.

Submissions (2):

Ambry Genetics
Classification: Uncertain significance for Inborn genetic diseases. Last evaluated: 2026-08-27. Review status: criteria provided, single submitter. Criteria: Ambry Variant Classification Scheme 2023. Collection method: clinical testing. Allele origin: germline.

Labcorp Genetics (formerly Invitae), Labcorp
Classification: Uncertain significance. Last evaluated: 2024-10-30. Review status: criteria provided, single submitter. Criteria: Invitae Variant Classification Sherloc (09022015). Collection method: clinical testing. Allele origin: germline.
Comment: This sequence change replaces isoleucine, which is neutral and non-polar, with valine, which is neutral and non-polar, at codon 1932 of the TRRAP protein (p.Ile1932Val). This variant is not present in population databases (gnomAD no frequency). This variant has not been reported in the literature in individuals affected with TRRAP-related conditions. ClinVar contains an entry for this variant (Variation ID: 2713675). Invitae Evidence Modeling of protein sequence and biophysical properties (such as structural, functional, and spatial information, amino acid conservation, physicochemical variation, residue mobility, and thermodynamic stability) indicates that this missense variant is expected to disrupt TRRAP protein function with a positive predictive value of 80%. In summary, the available evidence is currently insufficient to determine the role of this variant in disease. Therefore, it has been classified as a Variant of Uncertain Significance.